The following is an entry in ClinVar:

NM_000093.5(COL5A1):c.5357T>C (p.Val1786Ala)

Genes: COL5A1 (collagen type V alpha 1 chain; plus strand), LOC101448202 (uncharacterized LOC101448202; minus strand). Cytogenetic location: 9q34.3.
Variant type: single nucleotide variant.
Coding change: c.5357T>C on transcript NM_000093.5 (MANE Select); coding-DNA position 5357, T replaced by C.
Protein change: p.Val1786Ala; replaces valine 1786 with alanine.
Molecular consequence: missense variant.
Genome position (GRCh38, 1-based): chr9:134,835,191, T>C. VCF-style: chr9-134835191-T-C. GRCh37 (hg19) VCF-style: chr9-137727037-T-C.
Other names: c.5357T>C, p.Val1786Ala (NM_001278074.1); short protein forms V1786A.
Identifiers: ClinVar variation 4746357 (VCV004746357.1).

ClinVar aggregate classification (germline): Uncertain significance (1 of 4 stars; one submission).

Conditions:
Ehlers-Danlos syndrome, classic type, 1 (EDSCL1). Also called: EHLERS-DANLOS SYNDROME, GRAVIS TYPE; EHLERS-DANLOS SYNDROME, SEVERE CLASSIC TYPE; Ehlers-Danlos syndrome, type 1; Ehlers-Danlos Syndrome, Classic Type, COL5A1-Related; EDS I. Identifiers: MedGen C0268335, MONDO:0019567, OMIM 130000.

gnomAD v4.1: 6 of 1,613,510 alleles (0.00037%); highest among the groups gnomAD compares: Non-Finnish European, 0.00051%; no homozygotes.

Submission:

Labcorp Genetics (formerly Invitae), Labcorp
Classification: Uncertain significance for Ehlers-Danlos syndrome, classic type, 1. Last evaluated: 2025-03-05. Review status: criteria provided, single submitter. Criteria: Invitae Variant Classification Sherloc (09022015). Collection method: clinical testing. Allele origin: germline.
Comment: This sequence change replaces valine, which is neutral and non-polar, with alanine, which is neutral and non-polar, at codon 1786 of the COL5A1 protein (p.Val1786Ala). This variant is not present in population databases (gnomAD no frequency). This variant has not been reported in the literature in individuals affected with COL5A1-related conditions. Invitae Evidence Modeling of protein sequence and biophysical properties (such as structural, functional, and spatial information, amino acid conservation, physicochemical variation, residue mobility, and thermodynamic stability) indicates that this missense variant is not expected to disrupt COL5A1 protein function with a negative predictive value of 95%. In summary, the available evidence is currently insufficient to determine the role of this variant in disease. Therefore, it has been classified as a Variant of Uncertain Significance.